The following is an entry in ClinVar:

ClinVar aggregate classification (germline): Uncertain significance (1 of 4 stars; one submission).

Submission:

Labcorp Genetics (formerly Invitae), Labcorp
Classification: Uncertain significance. Last evaluated: 2021-01-31. Review status: criteria provided, single submitter. Criteria: Invitae Variant Classification Sherloc (09022015). Collection method: clinical testing. Allele origin: germline.
Comment: This sequence change replaces proline with alanine at codon 281 of the ELP1 protein (p.Pro281Ala). The proline residue is moderately conserved and there is a small physicochemical difference between proline and alanine. This variant is not present in population databases (ExAC no frequency). This variant has not been reported in the literature in individuals with ELP1-related conditions. Algorithms developed to predict the effect of missense changes on protein structure and function are either unavailable or do not agree on the potential impact of this missense change (SIFT: "Tolerated"; PolyPhen-2: "Probably Damaging"; Align-GVGD: "Class C0"). In summary, the available evidence is currently insufficient to determine the role of this variant in disease. Therefore, it has been classified as a Variant of Uncertain Significance.

NM_003640.5(ELP1):c.841C>G (p.Pro281Ala)

Gene: ELP1 (elongator acetyltransferase complex subunit 1; minus strand). Cytogenetic location: 9q31.3.
Variant type: single nucleotide variant.
Coding change: c.841C>G on transcript NM_003640.5 (MANE Select); coding-DNA position 841, C replaced by G.
Protein change: p.Pro281Ala; replaces proline 281 with alanine.
Molecular consequence: missense variant. On other transcripts: 5 prime UTR variant (1).
Genome position (GRCh38, 1-based): chr9:108,917,570, G>C on the plus strand (C>G on the coding strand, the complement: ELP1 is on the minus strand). VCF-style: chr9-108917570-G-C. GRCh37 (hg19) VCF-style: chr9-111679850-G-C.
Other names: c.499C>G, p.Pro167Ala (NM_001318360.2); c.-207C>G (NM_001330749.2); short protein forms P167A, P281A.
Identifiers: ClinVar variation 1368416 (VCV001368416.8), dbSNP rs2132027839, ClinGen allele CA374386160.
Genomic context (GRCh38, chr9:108,917,570, plus strand): 5'-CTCTACATTCGAGGGTGAAACAAACTCAGGCACTTACCTTAACCTCATCTTTAAGGAAGG[G>C]AAGTGTAAAGTGTCCATGAAGGAGTCCATTTTTCTCAAAAAACACAATATCCTGCTGGTT-3'
Protein context (NP_003631.2, residues 271-291): NGLLHGHFTL[Pro281Ala]FLKDEVKVND